The following is an entry in ClinVar:

ClinVar aggregate classification (germline): Uncertain significance. Review status: criteria provided, multiple submitters, no conflicts (2 of 4 stars). 2 submissions from 2 submitters: Uncertain significance (2). Last evaluated 2022-11-17.

Conditions:
Primary ciliary dyskinesia 30. Also called: CILIARY DYSKINESIA, PRIMARY, 30, WITH OR WITHOUT SITUS INVERSUS. Identifiers: Orphanet 244, MedGen C4015016, MONDO:0014465, OMIM 616037.
Inborn genetic diseases. Identifiers: MedGen C0950123, MeSH D030342.

Allele frequency attached by ClinVar (database versions not stated): gnomAD exomes 0.00003 and 0.00011; TOPMed 0.00004; gnomAD 0.00005 and 0.00007; 1000 Genomes Project 30x 0.00016; ExAC 0.00018; 1000 Genomes Project 0.00020.
gnomAD v4.1: 59 of 1,610,964 alleles (0.0037%); highest among the groups gnomAD compares: South Asian, 0.041%; no homozygotes.

Submissions (2):

Ambry Genetics
Classification: Uncertain significance for Inborn genetic diseases. Last evaluated: 2022-11-17. Review status: criteria provided, single submitter. Criteria: Ambry Variant Classification Scheme 2023. Collection method: clinical testing. Allele origin: germline.

Labcorp Genetics (formerly Invitae), Labcorp
Classification: Uncertain significance for Primary ciliary dyskinesia 30. Last evaluated: 2021-08-14. Review status: criteria provided, single submitter. Criteria: Invitae Variant Classification Sherloc (09022015). Collection method: clinical testing. Allele origin: germline.
Comment: This sequence change replaces proline with serine at codon 4 of the CCDC151 protein (p.Pro4Ser). The proline residue is moderately conserved and there is a moderate physicochemical difference between proline and serine. This variant is present in population databases (rs546113125, ExAC 0.09%). This variant has not been reported in the literature in individuals affected with CCDC151-related conditions. Algorithms developed to predict the effect of missense changes on protein structure and function are either unavailable or do not agree on the potential impact of this missense change (SIFT: "Deleterious"; PolyPhen-2: "Possibly Damaging"; Align-GVGD: "Class C0"). In summary, the available evidence is currently insufficient to determine the role of this variant in disease. Therefore, it has been classified as a Variant of Uncertain Significance.

NM_145045.5(ODAD3):c.10C>T (p.Pro4Ser)

Gene: ODAD3 (outer dynein arm docking complex subunit 3; minus strand). Cytogenetic location: 19p13.2.
Variant type: single nucleotide variant.
Coding change: c.10C>T on transcript NM_145045.5 (MANE Select); coding-DNA position 10, C replaced by T.
Protein change: p.Pro4Ser; replaces proline 4 with serine.
Molecular consequence: missense variant. On other transcripts: intron variant (1).
Genome position (GRCh38, 1-based): chr19:11,435,007, G>A on the plus strand (C>T on the coding strand, the complement: ODAD3 is on the minus strand). VCF-style: chr19-11435007-G-A. GRCh37 (hg19) VCF-style: chr19-11545828-G-A.
Other names: c.10C>T, p.Pro4Ser (NM_001302454.2); c.82+683C>T (NM_001302453.1); c.10C>T (NM_145045.4); short protein forms P4S.
Identifiers: ClinVar variation 1682800 (VCV001682800.6), dbSNP rs546113125, ClinGen allele CA9212577.